The following is an entry in ClinVar:

NM_001379291.1(BRD4):c.2158+2054C>T

Gene: BRD4 (bromodomain containing 4; minus strand). Cytogenetic location: 19p13.12.
Variant type: single nucleotide variant.
Coding change: c.2158+2054C>T on transcript NM_001379291.1 (MANE Select); 2054 bases into the intron after coding-DNA position 2158, C replaced by T.
Molecular consequence: intron variant.
Genome position (GRCh38, 1-based): chr19:15,252,098, G>A on the plus strand (C>T on the coding strand, the complement: BRD4 is on the minus strand). VCF-style: chr19-15252098-G-A. GRCh37 (hg19) VCF-style: chr19-15362909-G-A.
Other names: c.2158+2054C>T (NM_058243.3, NM_001379292.1, NM_014299.3).
Identifiers: ClinVar variation 2649480 (VCV002649480.24), dbSNP rs545073622, ClinGen allele CA305797906.

ClinVar aggregate classification (germline): Likely benign (1 of 4 stars; one submission).

Allele frequency attached by ClinVar (database versions not stated): 1000 Genomes Project 30x 0.00016; 1000 Genomes Project 0.00020; TOPMed 0.00086.
gnomAD v4.1: 137 of 152,152 alleles (0.09%); highest among the groups gnomAD compares: Middle Eastern, 0.68%; no homozygotes.

Submission:

CeGaT Center for Human Genetics Tuebingen
Classification: Likely benign. Last evaluated: 2023-06-01. Review status: criteria provided, single submitter. Criteria: CeGaT Center For Human Genetics Tuebingen Variant Classification Criteria Version 2. Collection method: clinical testing. Allele origin: germline. Affected: yes. Observed: 2 variant alleles.
Comment: BRD4: BS1